The following is an entry in ClinVar:

ClinVar aggregate classification (germline): Likely benign. Review status: reviewed by expert panel (3 of 4 stars). 2 submissions from 2 submitters: Likely benign (1). 1 of the submissions does not count toward it. Last evaluated 2026-05-19.

Conditions:
PIK3R1-related immunodeficiency and SHORT syndrome. Identifiers: MedGen CN379774, MONDO:1060136.
Agammaglobulinemia 7, autosomal recessive (AGM7). Also called: AGAMMAGLOBULINEMIA, AUTOSOMAL RECESSIVE, DUE TO PIK3R1 DEFECT. Identifiers: MedGen C3554689, MONDO:0014083, OMIM 615214.
SHORT syndrome. Also called: SHORT STATURE, HYPEREXTENSIBILITY, HERNIA, OCULAR DEPRESSION, RIEGER ANOMALY, AND TEETHING DELAY; LIPODYSTROPHY, PARTIAL, WITH RIEGER ANOMALY AND SHORT STATURE; PIK3R1-Related SHORT Syndrome. Identifiers: Orphanet 3163, MedGen C0878684, MONDO:0010026, OMIM 269880.
Immunodeficiency 36 with lymphoproliferation. Also called: Immunodeficiency 36; ACTIVATED PI3K-DELTA SYNDROME 2; Activated PI3K Delta Syndrome Type 2 (APDS2). Identifiers: Orphanet 397596, Orphanet 693681, MedGen C4014934, MONDO:0014453, OMIM 616005.

gnomAD v4.1: 6 of 1,545,176 alleles (0.00039%); highest among the groups gnomAD compares: Admixed American, 0.0093%; no homozygotes.

Submissions (2):

ClinGen Primary Immune Regulatory Disorders Variant Curation Expert Panel, ClinGen
Classification: Likely benign for PIK3R1-related immunodeficiency and SHORT syndrome. Last evaluated: 2026-05-19. Review status: reviewed by expert panel. Criteria: ClinGen AbDef ACMG Specifications PIK3R1 V1.0.0. Collection method: curation. Allele origin: germline. Inheritance: Autosomal dominant inheritance.
Comment: NM_181523.3(PIK3R1):c.1425+12A>G is an intron 11 variant that falls outside of the splice acceptor region and does not have a predicted impact at splicing sites (BP7). The splicing impact predictor SpliceAI gives a score of 0.00 for all splicing events, which is below the ClinGen Antibody Deficiencies VCEP recommended threshold of <0.1 and does not predict an impact on splicing (BP4). This variant is present in gnomAD v4.1.0 at a total allele frequency of 0.000003883, with 6 alleles / 1,545,176 total alleles across all populations of gnomAD, which is higher than the ClinGen Antibody Deficiencies PM2_Supporting threshold of <0.00000132. This variant is present in gnomAD v4.1.0 at a GrpMax allele frequency of 0.00003176, with 4 alleles / 42,850 total alleles in the Admixed American population, which is lower than the ClinGen Antibody Deficiencies VCEP BS1 threshold of >0.000316., so no population code is met. In summary, this variant meets the criteria to be classified as likely benign for autosomal dominant PIK3R1-related immunodeficiency and SHORT syndrome based on the ACMG/AMP criteria applied, as specified by the ClinGen Antibody Deficiencies VCEP: BP7 and BP4. (VCEP specifications version 1.0.0; date of approval 04/29/2026).

Labcorp Genetics (formerly Invitae), Labcorp
Classification: Likely benign for SHORT syndrome; Immunodeficiency 36 with lymphoproliferation; Agammaglobulinemia 7, autosomal recessive. Last evaluated: 2024-09-16. Review status: criteria provided, single submitter. Criteria: Invitae Variant Classification Sherloc (09022015). Collection method: clinical testing. Allele origin: germline. Not counted in ClinVar's aggregate classification.

NM_181523.3(PIK3R1):c.1425+12A>G

Gene: PIK3R1 (phosphoinositide-3-kinase regulatory subunit 1; plus strand). Cytogenetic location: 5q13.1.
Variant type: single nucleotide variant.
Coding change: c.1425+12A>G on transcript NM_181523.3 (MANE Select); 12 bases into the intron after coding-DNA position 1425, A replaced by G.
Molecular consequence: intron variant.
Genome position (GRCh38, 1-based): chr5:68,293,846, A>G. VCF-style: chr5-68293846-A-G. GRCh37 (hg19) VCF-style: chr5-67589674-A-G.
Other names: c.525+12A>G (NM_181524.2); c.615+12A>G (NM_181504.4); c.336+12A>G (NM_001242466.2).
Identifiers: ClinVar variation 1566878 (VCV001566878.9), dbSNP rs370702392, ClinGen allele CA3290378.